The following is an entry in ClinVar:

NM_000419.5(ITGA2B):c.2841G>A (p.Gln947=)

Gene: ITGA2B (integrin subunit alpha 2b; minus strand). Cytogenetic location: 17q21.31.
Variant type: single nucleotide variant.
Coding change: c.2841G>A on transcript NM_000419.5 (MANE Select); coding-DNA position 2841, G replaced by A.
Protein change: p.Gln947=; no amino-acid change (glutamine 947 retained).
Molecular consequence: synonymous variant.
Genome position (GRCh38, 1-based): chr17:44,374,998, C>T on the plus strand (G>A on the coding strand, the complement: ITGA2B is on the minus strand). VCF-style: chr17-44374998-C-T. GRCh37 (hg19) VCF-style: chr17-42452366-C-T.
Other names: p.Gln947=.
Identifiers: ClinVar variation 3380495 (VCV003380495.3).

ClinVar aggregate classification (germline): Uncertain significance. Review status: criteria provided, multiple submitters, no conflicts (2 of 4 stars). 2 submissions from 2 submitters: Uncertain significance (2). Last evaluated 2026-10-20.

Submissions (2):

GeneDx
Classification: Uncertain significance. Last evaluated: 2026-10-20. Review status: criteria provided, single submitter. Criteria: GeneDx Variant Classification Process June 2021. Collection method: clinical testing. Allele origin: germline.
Comment: Not observed at significant frequency in large population cohorts (gnomAD); Alters the last nucleotide of the exon and is predicted to damage the splice donor site but the effect on protein function is unclear; Has not been previously published as pathogenic or benign to our knowledge

Mayo Clinic Laboratories, Mayo Clinic
Classification: Uncertain significance. Last evaluated: 2024-02-29. Review status: criteria provided, single submitter. Criteria: ACMG Guidelines, 2015. Collection method: clinical testing. Allele origin: germline. Observed: 1 variant allele.
Comment: PP3, PP4_moderate, PM2_moderate